The following is an entry in ClinVar:

ClinVar aggregate classification (germline): Conflicting classifications of pathogenicity. Review status: criteria provided, conflicting classifications (1 of 4 stars). 2 submissions from 2 submitters: Uncertain significance (1); Likely benign (1). Last evaluated 2023-03-01.

Conditions:
Seizures, benign familial neonatal, 2. Also called: KCNQ3-Related Self-Limited Familial Neonatal Epilepsy (SLFNE); Benign Neonatal Epilepsy 2; KCNQ3-Related Benign Familial Neonatal Epilepsy; Seizures, benign neonatal, 2; CONVULSIONS, BENIGN FAMILIAL NEONATAL, 2. Identifiers: Orphanet 1949, MedGen C1852581, MONDO:0007366, OMIM 121201.

Allele frequency attached by ClinVar (database versions not stated): 1000 Genomes Project 30x 0.00016; gnomAD 0.00100 and 0.00104; TOPMed 0.00107.

Submissions (2):

CeGaT Center for Human Genetics Tuebingen
Classification: Likely benign. Last evaluated: 2023-03-01. Review status: criteria provided, single submitter. Criteria: CeGaT Center For Human Genetics Tuebingen Variant Classification Criteria Version 2. Collection method: clinical testing. Allele origin: germline. Affected: yes. Observed: 1 variant allele.
Comment: KCNQ3: BS1

Illumina Laboratory Services, Illumina
Classification: Uncertain significance for Seizures, benign familial neonatal, 2. Last evaluated: 2018-01-12. Review status: criteria provided, single submitter. Criteria: ICSL Variant Classification Criteria 13 December 2019. Collection method: clinical testing. Allele origin: germline.

NM_004519.4(KCNQ3):c.*4456A>C

Gene: KCNQ3 (potassium voltage-gated channel subfamily Q member 3; minus strand). Cytogenetic location: 8q24.22.
Variant type: single nucleotide variant.
Coding change: c.*4456A>C on transcript NM_004519.4 (MANE Select); 4456 bases downstream of the stop codon, A replaced by C.
Molecular consequence: 3 prime UTR variant.
Genome position (GRCh38, 1-based): chr8:132,124,806, T>G on the plus strand (A>C on the coding strand, the complement: KCNQ3 is on the minus strand). VCF-style: chr8-132124806-T-G. GRCh37 (hg19) VCF-style: chr8-133137053-T-G.
Other names: c.*4456A>C (NM_001204824.2).
Identifiers: ClinVar variation 908628 (VCV000908628.28), dbSNP rs533328133, ClinGen allele CA185429623.